The following is an entry in ClinVar:

NM_001999.4(FBN2):c.2248+4G>A

Gene: FBN2 (fibrillin 2; minus strand). Cytogenetic location: 5q23.3.
Variant type: single nucleotide variant.
Coding change: c.2248+4G>A on transcript NM_001999.4 (MANE Select); 4 bases into the intron after coding-DNA position 2248, G replaced by A.
Molecular consequence: intron variant.
Genome position (GRCh38, 1-based): chr5:128,369,178, C>T on the plus strand (G>A on the coding strand, the complement: FBN2 is on the minus strand). VCF-style: chr5-128369178-C-T. GRCh37 (hg19) VCF-style: chr5-127704871-C-T.
Identifiers: ClinVar variation 528407 (VCV000528407.10), dbSNP rs752467521, ClinGen allele CA658796631.

ClinVar aggregate classification (germline): Uncertain significance. Review status: criteria provided, multiple submitters, no conflicts (2 of 4 stars). 2 submissions from 2 submitters: Uncertain significance (2). Last evaluated 2025-09-15.

Conditions:
Familial thoracic aortic aneurysm and aortic dissection (TAAD). Also called: Thoracic aortic aneurysms and dissections. Identifiers: Orphanet 91387, MedGen C4707243, MONDO:0019625.
Congenital contractural arachnodactyly (CCA). Also called: Beals-Hecht syndrome; BEALS SYNDROME; Arthrogryposis, distal, type 9. Identifiers: Orphanet 115, MedGen C0220668, MONDO:0007363, OMIM 121050.

gnomAD v4.1: 2 of 1,614,064 alleles (0.00012%); highest among the groups gnomAD compares: Admixed American, 0.0017%; no homozygotes.

Submissions (2):

Ambry Genetics
Classification: Uncertain significance for Familial thoracic aortic aneurysm and aortic dissection. Last evaluated: 2025-09-15. Review status: criteria provided, single submitter. Criteria: Ambry Variant Classification Scheme 2023. Collection method: clinical testing. Allele origin: germline.
Comment: The c.2248+4G>A intronic variant results from a G to A substitution 4 nucleotides after coding exon 16 in the FBN2 gene. This nucleotide position is not well conserved in available vertebrate species. In silico splice site analysis predicts that this alteration will not have any significant effect on splicing. Based on the available evidence, the clinical significance of this variant remains unclear.

Labcorp Genetics (formerly Invitae), Labcorp
Classification: Uncertain significance for Congenital contractural arachnodactyly. Last evaluated: 2022-12-06. Review status: criteria provided, single submitter. Criteria: Invitae Variant Classification Sherloc (09022015). Collection method: clinical testing. Allele origin: germline.
Comment: In summary, the available evidence is currently insufficient to determine the role of this variant in disease. Therefore, it has been classified as a Variant of Uncertain Significance. Variants that disrupt the consensus splice site are a relatively common cause of aberrant splicing (PMID: 17576681, 9536098). Algorithms developed to predict the effect of sequence changes on RNA splicing suggest that this variant is not likely to affect RNA splicing. ClinVar contains an entry for this variant (Variation ID: 528407). This variant has not been reported in the literature in individuals affected with FBN2-related conditions. This variant is not present in population databases (gnomAD no frequency). This sequence change falls in intron 16 of the FBN2 gene. It does not directly change the encoded amino acid sequence of the FBN2 protein. It affects a nucleotide within the consensus splice site.

Literature cited by the submitters: PubMed 17576681 (cited by Labcorp Genetics (formerly Invitae), Labcorp); PubMed 9536098 (cited by Labcorp Genetics (formerly Invitae), Labcorp).